The following is an entry in ClinVar:

NM_001080467.3(MYO5B):c.4655A>G (p.Asn1552Ser)

Genes: MYO5B (myosin VB; minus strand), SNHG22 (small nucleolar RNA host gene 22; plus strand). Cytogenetic location: 18q21.1.
Variant type: single nucleotide variant.
Coding change: c.4655A>G on transcript NM_001080467.3 (MANE Select); coding-DNA position 4655, A replaced by G.
Protein change: p.Asn1552Ser; replaces asparagine 1552 with serine.
Molecular consequence: missense variant.
Genome position (GRCh38, 1-based): chr18:49,841,411, T>C on the plus strand (A>G on the coding strand, the complement: MYO5B is on the minus strand). VCF-style: chr18-49841411-T-C. GRCh37 (hg19) VCF-style: chr18-47367781-T-C.
Other names: short protein forms N1552S.
Identifiers: ClinVar variation 2242082 (VCV002242082.3), dbSNP rs573278576, ClinGen allele CA8960270.
Genomic context (GRCh38, chr18:49,841,411, plus strand): 5'-GGCTCCCCACTCACCTCATCCCCGCTGTACTGCTTCAGACAGTGAAGAAGGCGGCAGGTG[T>C]TGGATAACCAGAATGACGTCATCTCAAAGTCATCATTGTGCTTCTGTGAAAAGAAAAGGA-3'
Protein context (NP_001073936.1, residues 1542-1562): DFEMTSFWLS[Asn1552Ser]TCRLLHCLKQ

ClinVar aggregate classification (germline): Uncertain significance. Review status: criteria provided, multiple submitters, no conflicts (2 of 4 stars). 2 submissions from 2 submitters: Uncertain significance (2). Last evaluated 2023-06-22.

Conditions:
Inborn genetic diseases. Identifiers: MedGen C0950123, MeSH D030342.
Cholestasis, progressive familial intrahepatic, 10 (PFIC10). Identifiers: MedGen C5676981, MONDO:0030810, OMIM 619868.

Allele frequency attached by ClinVar (database versions not stated): gnomAD 0.00001; ExAC 0.00002; 1000 Genomes Project 30x 0.00016; 1000 Genomes Project 0.00020.
gnomAD v4.1: 9 of 1,614,186 alleles (0.00056%); highest among the groups gnomAD compares: South Asian, 0.0077%; no homozygotes.

Submissions (2):

Neuberg Centre For Genomic Medicine, NCGM
Classification: Uncertain significance for Cholestasis, progressive familial intrahepatic, 10. Last evaluated: 2023-06-22. Review status: criteria provided, single submitter. Criteria: ACMG Guidelines, 2015. Collection method: clinical testing. Allele origin: germline. Inheritance: Autosomal recessive inheritance. Affected: yes.
Comment: The observed missense variant c.4655A>Gp.Asn1552Ser in MYO5B gene has not been reported previously as a pathogenic variant nor as a benign variant, to our knowledge. The p.Asn1552Ser variant is reported with 0.001% allele frequency in gnomAD Exomes. This variant has been reported to the ClinVar database.The amino acid Asn at position 1552 is changed to a Ser changing protein sequence and it might alter its composition and physico-chemical properties. Multiple lines of computational evidence Polyphen-probably damaging, SIFT-damaging and Mutation Taster-disease causing predict a damaging effect on protein structure and function for this variant. The reference amino acid p.Asn1552Ser in MYO5B is predicted as conserved by GERP++ and PhyloP across 100 vertebrates. For these reasons, this variant has been classified as Uncertain Significance.

Ambry Genetics
Classification: Uncertain significance for Inborn genetic diseases. Last evaluated: 2021-08-09. Review status: criteria provided, single submitter. Criteria: Ambry Variant Classification Scheme 2023. Collection method: clinical testing. Allele origin: germline.